The following is an entry in ClinVar:

ClinVar aggregate classification (germline): Uncertain significance. Review status: criteria provided, multiple submitters, no conflicts (2 of 4 stars). 2 submissions from 2 submitters: Uncertain significance (2). Last evaluated 2022-05-06.

Allele frequency attached by ClinVar (database versions not stated): gnomAD exomes 0.00001; ExAC 0.00002; TOPMed 0.00003; gnomAD 0.00004; 1000 Genomes Project 30x 0.00016; 1000 Genomes Project 0.00020.
gnomAD v4.1: 26 of 1,593,570 alleles (0.0016%); highest among the groups gnomAD compares: African/African-American, 0.0054%; no homozygotes.

Submissions (2):

Blueprint Genetics
Classification: Uncertain significance. Last evaluated: 2022-05-06. Review status: criteria provided, single submitter. Criteria: ACMG Guidelines, 2015. Collection method: clinical testing. Allele origin: germline.

Labcorp Genetics (formerly Invitae), Labcorp
Classification: Uncertain significance. Last evaluated: 2020-11-15. Review status: criteria provided, single submitter. Criteria: Invitae Variant Classification Sherloc (09022015). Collection method: clinical testing. Allele origin: germline.
Comment: This variant is present in population databases (rs536852535, ExAC 0.02%). This sequence change replaces glycine with serine at codon 352 of the COQ8A protein (p.Gly352Ser). The glycine residue is highly conserved and there is a small physicochemical difference between glycine and serine. This variant has not been reported in the literature in individuals with COQ8A-related conditions. Advanced modeling of protein sequence and biophysical properties (such as structural, functional, and spatial information, amino acid conservation, physicochemical variation, residue mobility, and thermodynamic stability) performed at Invitae indicates that this missense variant is expected to disrupt COQ8A protein function. In summary, the available evidence is currently insufficient to determine the role of this variant in disease. Therefore, it has been classified as a Variant of Uncertain Significance.

NM_020247.5(COQ8A):c.1054G>A (p.Gly352Ser)

Gene: COQ8A (coenzyme Q8A; plus strand). Cytogenetic location: 1q42.13.
Variant type: single nucleotide variant.
Coding change: c.1054G>A on transcript NM_020247.5 (MANE Select); coding-DNA position 1054, G replaced by A.
Protein change: p.Gly352Ser; replaces glycine 352 with serine.
Molecular consequence: missense variant.
Genome position (GRCh38, 1-based): chr1:226,983,008, G>A. VCF-style: chr1-226983008-G-A. GRCh37 (hg19) VCF-style: chr1-227170709-G-A.
Other names: short protein forms G352S.
Identifiers: ClinVar variation 1347688 (VCV001347688.8), dbSNP rs536852535, ClinGen allele CA1425276.